The following is an entry in ClinVar:

ClinVar aggregate classification (germline): Pathogenic (1 of 4 stars; one submission).

Conditions:
Dilated cardiomyopathy 1HH (CMD1HH). Identifiers: Orphanet 154, MedGen C3151293, MONDO:0013479, OMIM 613881.
Myofibrillar myopathy 6. Identifiers: Orphanet 199340, MedGen C2751831, MONDO:0013061, OMIM 612954.

Submission:

Labcorp Genetics (formerly Invitae), Labcorp
Classification: Pathogenic for Dilated cardiomyopathy 1HH; Myofibrillar myopathy 6. Last evaluated: 2024-11-24. Review status: criteria provided, single submitter. Criteria: Invitae Variant Classification Sherloc (09022015). Collection method: clinical testing. Allele origin: germline.
Comment: This sequence change creates a premature translational stop signal (p.Ile337Asnfs*13) in the BAG3 gene. While this is not anticipated to result in nonsense mediated decay, it is expected to disrupt the last 239 amino acid(s) of the BAG3 protein. This variant is not present in population databases (gnomAD no frequency). This variant has not been reported in the literature in individuals affected with BAG3-related conditions. ClinVar contains an entry for this variant (Variation ID: 2941374). This variant disrupts a region of the BAG3 protein in which other variant(s) (p.Arg473*) have been determined to be pathogenic (PMID: 28436997; internal data). This suggests that this is a clinically significant region of the protein, and that variants that disrupt it are likely to be disease-causing. For these reasons, this variant has been classified as Pathogenic.

Literature cited by the submitters: PubMed 28436997.

NM_004281.4(BAG3):c.1009dup (p.Ile337fs)

Gene: BAG3 (BAG cochaperone 3; plus strand). Cytogenetic location: 10q26.11.
Variant type: Duplication.
Coding change: c.1009dup on transcript NM_004281.4 (MANE Select); coding-DNA position 1009, one base duplicated (A; older notation c.1009dupA).
Protein change: p.Ile337fs; shifts the reading frame from isoleucine 337.
Molecular consequence: frameshift variant.
Genome position (GRCh38, 1-based): chr10:119,676,563, A duplicated. VCF-style (leftmost placement, unchanged base first): chr10-119676562-C-CA. GRCh37 (hg19) VCF-style: chr10-121436074-C-CA.
Other names: short protein forms I337fs.
Identifiers: ClinVar variation 2941374 (VCV002941374.3), dbSNP rs2494022514, ClinGen allele CA2740093564.
Genomic context (GRCh38, chr10:119,676,562, plus strand): 5'-GCCTGAAAACAAACCAGAAAGTAAGCCAGGCCCAGTTGGACCAGAACTCCCTCCTGGACA[C>CA]ATCCCAATTCAAGTGATCCGCAAAGAGGTGGATTCTAAACCTGTTTCCCAGAAGCCCCCA-3'